The following is an entry in ClinVar:

NM_001982.4(ERBB3):c.1911C>T (p.Ile637=)

Gene: ERBB3 (erb-b2 receptor tyrosine kinase 3; plus strand). Cytogenetic location: 12q13.2.
Variant type: single nucleotide variant.
Coding change: c.1911C>T on transcript NM_001982.4 (MANE Select); coding-DNA position 1911, C replaced by T.
Protein change: p.Ile637=; no amino-acid change (isoleucine 637 retained).
Molecular consequence: synonymous variant.
Genome position (GRCh38, 1-based): chr12:56,095,308, C>T. VCF-style: chr12-56095308-C-T. GRCh37 (hg19) VCF-style: chr12-56489092-C-T.
Other names: NC_000012.11:g.56489092C>T.
Identifiers: ClinVar variation 3042993 (VCV003042993.3), dbSNP rs150262923, ClinGen allele CA6622463.
Genomic context (GRCh38, chr12:56,095,308, plus strand): 5'-CTTCCCTAGGTGTAAAGGACCAGAGCTTCAAGACTGTTTAGGACAAACACTGGTGCTGAT[C>T]GGGTATGATGGGGTTGGAGATTCTGGAAACTGGGGATATTTGGGAGTTGGGAGAGAGGTG-3'
Protein context (NP_001973.2, residues 627-647): QDCLGQTLVL[Ile637=]GKTHLTMALT

ClinVar aggregate classification (germline): Likely benign (0 of 4 stars; one submission).

Conditions:
ERBB3-related disorder. Also called: ERBB3-related condition.

Allele frequency attached by ClinVar (database versions not stated): gnomAD 0.00007; ExAC 0.00008; ESP Exome Variant Server 0.00008; TOPMed 0.00010; 1000 Genomes Project 0.00020; 1000 Genomes Project 30x 0.00031.
gnomAD v4.1: 94 of 1,612,906 alleles (0.0058%); highest among the groups gnomAD compares: East Asian, 0.027%; no homozygotes.

Submissions (2):

PreventionGenetics, part of Exact Sciences
Classification: Likely benign for ERBB3-related condition. Last evaluated: 2019-07-10. Review status: no assertion criteria provided. Collection method: clinical testing. Allele origin: germline.
Comment: This variant is classified as likely benign based on ACMG/AMP sequence variant interpretation guidelines (Richards et al. 2015 PMID: 25741868, with internal and published modifications).

Dr. Peter K. Rogan Lab, Western University
No classification provided (evidence only). Condition: Thyroid cancer, nonmedullary, 1. Review status: no classification provided. Collection method: in vitro. Allele origin: not applicable. Functional consequence: retained intron. Not counted in ClinVar's aggregate classification.